The following is an entry in ClinVar:

ClinVar aggregate classification (germline): Likely benign. Review status: criteria provided, single submitter (1 of 4 stars). 2 submissions from 2 submitters: Likely benign (1). 1 of the submissions does not count toward it. Last evaluated 2022-01-02.

Conditions:
SERPINB8-related disorder. Also called: SERPINB8-related condition.

Allele frequency attached by ClinVar (database versions not stated): ESP Exome Variant Server 0.00015; gnomAD 0.00025; ExAC 0.00028; TOPMed 0.00039; 1000 Genomes Project 0.00040; 1000 Genomes Project 30x 0.00047.
gnomAD v4.1: 630 of 1,614,160 alleles (0.039%); highest among the groups gnomAD compares: Admixed American, 0.063%; no homozygotes.

Submissions (2):

Labcorp Genetics (formerly Invitae), Labcorp
Classification: Likely benign. Last evaluated: 2022-01-02. Review status: criteria provided, single submitter. Criteria: Invitae Variant Classification Sherloc (09022015). Collection method: clinical testing. Allele origin: germline.

PreventionGenetics, part of Exact Sciences
Classification: Benign for SERPINB8-related condition. Last evaluated: 2023-12-13. Review status: no assertion criteria provided. Collection method: clinical testing. Allele origin: germline. Not counted in ClinVar's aggregate classification.
Comment: This variant is classified as benign based on ACMG/AMP sequence variant interpretation guidelines (Richards et al. 2015 PMID: 25741868, with internal and published modifications).

NM_002640.4(SERPINB8):c.1017G>A (p.Arg339=)

Gene: SERPINB8 (serpin family B member 8; plus strand). Cytogenetic location: 18q22.1.
Variant type: single nucleotide variant.
Coding change: c.1017G>A on transcript NM_002640.4 (MANE Select); coding-DNA position 1017, G replaced by A.
Protein change: p.Arg339=; no amino-acid change (arginine 339 retained).
Molecular consequence: synonymous variant. On other transcripts: 3 prime UTR variant (2), non-coding transcript variant (1), intron variant (1).
Genome position (GRCh38, 1-based): chr18:63,987,170, G>A. VCF-style: chr18-63987170-G-A. GRCh37 (hg19) VCF-style: chr18-61654404-G-A.
Other names: c.471G>A, p.Arg157= (NM_001276490.2); c.*184G>A (NM_001348368.2, NM_001348369.2); c.477G>A, p.Arg159= (NM_001348370.2); c.1017G>A, p.Arg339= (NM_001366198.1, NM_198833.2); c.720+1925G>A (NM_001348367.2); c.1017G>A (NM_198833.1).
Identifiers: ClinVar variation 2152859 (VCV002152859.5), dbSNP rs35382440, ClinGen allele CA8990933.
Genomic context (GRCh38, chr18:63,987,170, plus strand): 5'-GGAGGTCAATGAGGAAGGCACAGAGGCTGCCGCAGCCACTGCTGTGGTCAGGAATTCCCG[G>A]TGCAGCAGAATGGAGCCAAGATTCTGTGCAGACCACCCTTTTCTTTTCTTCATCAGGCAC-3'
Protein context (NP_002631.3, residues 329-349): AAATAVVRNS[Arg339=]CSRMEPRFCA